The following is an entry in ClinVar:

ClinVar aggregate classification (germline): Uncertain significance. Review status: criteria provided, multiple submitters, no conflicts (2 of 4 stars). 2 submissions from 2 submitters: Uncertain significance (2). Last evaluated 2025-04-10.

Conditions:
Inborn genetic diseases. Identifiers: MedGen C0950123, MeSH D030342.

gnomAD v4.1: 46 of 1,613,362 alleles (0.0029%); highest among the groups gnomAD compares: African/African-American, 0.033%; no homozygotes.

Submissions (2):

Ambry Genetics
Classification: Uncertain significance for Inborn genetic diseases. Last evaluated: 2025-04-10. Review status: criteria provided, single submitter. Criteria: Ambry Variant Classification Scheme 2023. Collection method: clinical testing. Allele origin: germline.

GeneDx
Classification: Uncertain significance. Last evaluated: 2024-06-07. Review status: criteria provided, single submitter. Criteria: GeneDx Variant Classification Process June 2021. Collection method: clinical testing. Allele origin: germline. Affected: yes.
Comment: In silico analysis indicates that this missense variant does not alter protein structure/function; Has not been previously published as pathogenic or benign to our knowledge

NM_173076.3(ABCA12):c.1607T>C (p.Ile536Thr)

Gene: ABCA12 (ATP binding cassette subfamily A member 12; minus strand). Cytogenetic location: 2q35.
Variant type: single nucleotide variant.
Coding change: c.1607T>C on transcript NM_173076.3 (MANE Select); coding-DNA position 1607, T replaced by C.
Protein change: p.Ile536Thr; replaces isoleucine 536 with threonine.
Molecular consequence: missense variant. On other transcripts: non-coding transcript variant (1).
Genome position (GRCh38, 1-based): chr2:215,019,386, A>G on the plus strand (T>C on the coding strand, the complement: ABCA12 is on the minus strand). VCF-style: chr2-215019386-A-G. GRCh37 (hg19) VCF-style: chr2-215884110-A-G.
Other names: c.653T>C, p.Ile218Thr (NM_015657.4); short protein forms I218T, I536T.
Identifiers: ClinVar variation 3384310 (VCV003384310.2).